The following is an entry in ClinVar:

NM_004766.3(COPB2):c.2484+6T>C

Gene: COPB2 (coat protein complex I subunit beta 2; minus strand). Cytogenetic location: 3q23.
Variant type: single nucleotide variant.
Coding change: c.2484+6T>C on transcript NM_004766.3 (MANE Select); 6 bases into the intron after coding-DNA position 2484, T replaced by C.
Molecular consequence: intron variant.
Genome position (GRCh38, 1-based): chr3:139,358,992, A>G on the plus strand (T>C on the coding strand, the complement: COPB2 is on the minus strand). VCF-style: chr3-139358992-A-G. GRCh37 (hg19) VCF-style: chr3-139077834-A-G.
Other names: NC_000003.11:g.139077834A>G; c.2397+6T>C (NM_001410834.1).
Identifiers: ClinVar variation 4521916 (VCV004521916.2).

ClinVar aggregate classification (germline): Uncertain significance (1 of 4 stars; one submission).

gnomAD v4.1: 102 of 1,609,712 alleles (0.0063%); highest among the groups gnomAD compares: Non-Finnish European, 0.0081%; no homozygotes.

Submissions (2):

Labcorp Genetics (formerly Invitae), Labcorp
Classification: Uncertain significance. Last evaluated: 2025-08-31. Review status: criteria provided, single submitter. Criteria: Invitae Variant Classification Sherloc (09022015). Collection method: clinical testing. Allele origin: germline.
Comment: This sequence change falls in intron 19 of the COPB2 gene. It does not directly change the encoded amino acid sequence of the COPB2 protein. It affects a nucleotide within the consensus splice site. This variant is present in population databases (rs368582279, gnomAD 0.02%). This variant has not been reported in the literature in individuals affected with COPB2-related conditions. Variants that disrupt the consensus splice site are a relatively common cause of aberrant splicing (PMID: 17576681, 9536098). Algorithms developed to predict the effect of sequence changes on RNA splicing suggest that this variant is not likely to affect RNA splicing. In summary, the available evidence is currently insufficient to determine the role of this variant in disease. Therefore, it has been classified as a Variant of Uncertain Significance.

Dr. Peter K. Rogan Lab, Western University
No classification provided (evidence only). Condition: Ovarian serous cystadenocarcinoma. Review status: no classification provided. Collection method: in vitro. Allele origin: not applicable. Functional consequence: retained intron. Not counted in ClinVar's aggregate classification.

Literature cited by the submitters: PubMed 17576681 (cited by Labcorp Genetics (formerly Invitae), Labcorp); PubMed 9536098 (cited by Labcorp Genetics (formerly Invitae), Labcorp).